The following is an entry in ClinVar:

ClinVar aggregate classification (germline): Uncertain significance (1 of 4 stars; one submission).

Conditions:
Cardiovascular phenotype. Identifiers: MedGen CN230736.

Submission:

Ambry Genetics
Classification: Uncertain significance for Cardiovascular phenotype. Last evaluated: 2024-12-13. Review status: criteria provided, single submitter. Criteria: Ambry Variant Classification Scheme 2023. Collection method: clinical testing. Allele origin: germline.
Comment: The p.G603* variant (also known as c.1807G>T), located in coding exon 34 of the TRDN gene, results from a G to T substitution at nucleotide position 1807. This changes the amino acid from a glycine to a stop codon within coding exon 34. This alteration is expected to result in loss of function by premature protein truncation or nonsense-mediated mRNA decay. However, this alteration does not impact the predominant cardiac isoform ofTRDN(NM_001256021.1; Kobayashi YM et al. J. Biol. Chem., 1999 Oct;274:28660-8). Since supporting evidence is limited at this time, the clinical significance of this alteration remains unclear.

NM_006073.4(TRDN):c.1807G>T (p.Gly603Ter)

Gene: TRDN (triadin; minus strand). Cytogenetic location: 6q22.31.
Variant type: single nucleotide variant.
Coding change: c.1807G>T on transcript NM_006073.4 (MANE Select); coding-DNA position 1807, G replaced by T.
Protein change: p.Gly603Ter; replaces glycine 603 with a stop codon.
Molecular consequence: nonsense.
Genome position (GRCh38, 1-based): chr6:123,260,636, C>A on the plus strand (G>T on the coding strand, the complement: TRDN is on the minus strand). VCF-style: chr6-123260636-C-A. GRCh37 (hg19) VCF-style: chr6-123581781-C-A.
Other names: short protein forms G603*.
Identifiers: ClinVar variation 3810169 (VCV003810169.1).